The following is an entry in ClinVar:

ClinVar aggregate classification (germline): Likely benign (0 of 4 stars; one submission).

Conditions:
GNAS-related disorder. Identifiers: MedGen CN380105.

gnomAD v4.1: 16 of 1,612,222 alleles (0.00099%); highest among the groups gnomAD compares: Non-Finnish European, 0.0013%; no homozygotes.

Submission:

PreventionGenetics, part of Exact Sciences
Classification: Likely benign for GNAS-related condition. Last evaluated: 2021-07-29. Review status: no assertion criteria provided. Collection method: clinical testing. Allele origin: germline.
Comment: This variant is classified as likely benign based on ACMG/AMP sequence variant interpretation guidelines (Richards et al. 2015 PMID: 25741868, with internal and published modifications).

NM_016592.5(GNAS):c.*4A>T

Genes: GNAS (GNAS complex locus; plus strand), GNAS-AS1 (GNAS antisense RNA 1; minus strand). Cytogenetic location: 20q13.32.
Variant type: single nucleotide variant.
Coding change: c.*4A>T on transcript NM_016592.5 (MANE Plus Clinical); 4 bases downstream of the stop codon, A replaced by T.
Molecular consequence: 3 prime UTR variant. On other transcripts: missense variant (1).
Genome position (GRCh38, 1-based): chr20:58,840,848, A>T. VCF-style: chr20-58840848-A-T. GRCh37 (hg19) VCF-style: chr20-57415903-A-T.
Other names: c.5A>T, p.Glu2Val (NM_001410912.1); short protein forms E2V.
Identifiers: ClinVar variation 3357514 (VCV003357514.1).